The following is an entry in ClinVar:

ClinVar aggregate classification (germline): Uncertain significance (1 of 4 stars; one submission).

Conditions:
Inborn genetic diseases. Identifiers: MedGen C0950123, MeSH D030342.

Submission:

Ambry Genetics
Classification: Uncertain significance for Inborn genetic diseases. Last evaluated: 2019-10-17. Review status: criteria provided, single submitter. Criteria: Ambry Variant Classification Scheme 2023. Collection method: clinical testing. Allele origin: germline.
Comment: The p.K633R variant (also known as c.1898A>G), located in coding exon 16 of the DST gene, results from an A to G substitution at nucleotide position 1898. The lysine at codon 633 is replaced by arginine, an amino acid with highly similar properties. This amino acid position is highly conserved in available vertebrate species. In addition, the in silico prediction for this alteration is inconclusive. Since supporting evidence is limited at this time, the clinical significance of this alteration remains unclear.

NM_001374736.1(DST):c.1997A>G (p.Lys666Arg)

Gene: DST (dystonin; minus strand). Cytogenetic location: 6p12.1.
Variant type: single nucleotide variant.
Coding change: c.1997A>G on transcript NM_001374736.1 (MANE Select); coding-DNA position 1997, A replaced by G.
Protein change: p.Lys666Arg; replaces lysine 666 with arginine.
Molecular consequence: missense variant.
Genome position (GRCh38, 1-based): chr6:56,641,977, T>C on the plus strand (A>G on the coding strand, the complement: DST is on the minus strand). VCF-style: chr6-56641977-T-C. GRCh37 (hg19) VCF-style: chr6-56506775-T-C.
Other names: c.1898A>G, p.Lys633Arg (NM_001144769.5); c.1484A>G, p.Lys495Arg (NM_001144770.2); c.1997A>G, p.Lys666Arg (NM_001374722.1); c.1364A>G, p.Lys455Arg (NM_001374729.1, NM_001374730.1, NM_001386100.1 and 1 more transcripts); c.2024A>G, p.Lys675Arg (NM_001374734.1); c.386A>G, p.Lys129Arg (NM_001723.7, NM_015548.5); short protein forms K455R, K675R, K633R, K666R, K129R, K495R.
Identifiers: ClinVar variation 1782200 (VCV001782200.2), dbSNP rs1380576543, ClinGen allele CA364614881.